The following is an entry in ClinVar:

ClinVar aggregate classification (germline): Uncertain significance (1 of 4 stars; one submission).

gnomAD v4.1: 21 of 1,614,000 alleles (0.0013%); highest among the groups gnomAD compares: Non-Finnish European, 0.0016%; no homozygotes.

Submission:

Labcorp Genetics (formerly Invitae), Labcorp
Classification: Uncertain significance. Last evaluated: 2024-08-08. Review status: criteria provided, single submitter. Criteria: Invitae Variant Classification Sherloc (09022015). Collection method: clinical testing. Allele origin: germline.
Comment: This sequence change replaces alanine, which is neutral and non-polar, with threonine, which is neutral and polar, at codon 300 of the ANXA11 protein (p.Ala300Thr). This variant is present in population databases (rs200598844, gnomAD 0.006%). This variant has not been reported in the literature in individuals affected with ANXA11-related conditions. An algorithm developed to predict the effect of missense changes on protein structure and function (PolyPhen-2) suggests that this variant is likely to be disruptive. In summary, the available evidence is currently insufficient to determine the role of this variant in disease. Therefore, it has been classified as a Variant of Uncertain Significance.

NM_145868.2(ANXA11):c.898G>A (p.Ala300Thr)

Gene: ANXA11 (annexin A11; minus strand). Cytogenetic location: 10q22.3.
Variant type: single nucleotide variant.
Coding change: c.898G>A on transcript NM_145868.2 (MANE Select); coding-DNA position 898, G replaced by A.
Protein change: p.Ala300Thr; replaces alanine 300 with threonine.
Molecular consequence: missense variant.
Genome position (GRCh38, 1-based): chr10:80,164,104, C>T on the plus strand (G>A on the coding strand, the complement: ANXA11 is on the minus strand). VCF-style: chr10-80164104-C-T. GRCh37 (hg19) VCF-style: chr10-81923860-C-T.
Other names: c.898G>A, p.Ala300Thr (NM_001278408.2, NM_145869.2, NM_001157.3 and 1 more transcripts); c.799G>A, p.Ala267Thr (NM_001278409.2); short protein forms A267T, A300T.
Identifiers: ClinVar variation 3709238 (VCV003709238.2).